The following is an entry in ClinVar:

NM_000179.3(MSH6):c.34C>T (p.Pro12Ser)

Gene: MSH6 (mutS homolog 6; plus strand). Cytogenetic location: 2p16.3.
Variant type: single nucleotide variant.
Coding change: c.34C>T on transcript NM_000179.3 (MANE Select); coding-DNA position 34, C replaced by T.
Protein change: p.Pro12Ser; replaces proline 12 with serine.
Molecular consequence: missense variant. On other transcripts: 5 prime UTR variant (1).
Genome position (GRCh38, 1-based): chr2:47,783,267, C>T. VCF-style: chr2-47783267-C-T. GRCh37 (hg19) VCF-style: chr2-48010406-C-T.
Other names: c.34C>T, p.Pro12Ser (NM_001281492.2); c.-703C>T (NM_001281493.2); short protein forms P12S.
Identifiers: ClinVar variation 823854 (VCV000823854.19), dbSNP rs587782084, ClinGen allele CA071083.

ClinVar aggregate classification (germline): Conflicting classifications of pathogenicity. Review status: criteria provided, conflicting classifications (1 of 4 stars). 6 submissions from 6 submitters: Uncertain significance (5); Likely benign (1). Last evaluated 2025-07-29.

Conditions:
Mismatch repair cancer syndrome 3. Identifiers: MedGen C5436807, MONDO:0030841, OMIM 619097.
Endometrial carcinoma. Also called: Endometrial carcinoma, somatic. Identifiers: MedGen C0476089, MONDO:0002447, OMIM 608089, HP:0012114.
Lynch syndrome 5 (LYNCH5). Also called: Colorectal cancer, hereditary nonpolyposis, type 5; Hereditary non-polyposis colorectal cancer, type 5. Identifiers: Orphanet 144, MedGen C1833477, MONDO:0013710, OMIM 614350. Disease mechanism: loss of function.
Hereditary cancer-predisposing syndrome. Also called: Neoplastic Syndromes, Hereditary; Tumor predisposition; Hereditary neoplastic syndrome; Hereditary Cancer Syndrome. Identifiers: Orphanet 140162, MedGen C0027672, MeSH D009386, MONDO:0015356.
Hereditary nonpolyposis colorectal neoplasms. Identifiers: MedGen C0009405, MeSH D003123.

Allele frequency attached by ClinVar (database versions not stated): TOPMed 0.00001.
gnomAD v4.1: 1 of 1,612,234 alleles (0.000062%); highest among the groups gnomAD compares: South Asian, 0.0011%; no homozygotes.

Submissions (6):

Color Diagnostics, LLC DBA Color Health
Classification: Uncertain significance for Hereditary cancer-predisposing syndrome. Last evaluated: 2025-07-29. Review status: criteria provided, single submitter. Criteria: ACMG Guidelines, 2015. Collection method: clinical testing. Allele origin: germline.
Comment: This missense variant replaces proline with serine at codon 12 of the MSH6 protein. Computational prediction suggests that this variant may not impact protein structure and function. To our knowledge, functional studies have not been reported for this variant. This variant has been reported in an individual affected with colorectal cancer (PMID: 29245953). This variant has been identified in 1/245160 chromosomes in the general population by the Genome Aggregation Database (gnomAD). The available evidence is insufficient to determine the role of this variant in disease conclusively. Therefore, this variant is classified as a Variant of Uncertain Significance.

Labcorp Genetics (formerly Invitae), Labcorp
Classification: Likely benign for Hereditary nonpolyposis colorectal neoplasms. Last evaluated: 2025-04-13. Review status: criteria provided, single submitter. Criteria: Invitae Variant Classification Sherloc (09022015). Collection method: clinical testing. Allele origin: germline.

Quest Diagnostics Nichols Institute San Juan Capistrano
Classification: Uncertain significance. Last evaluated: 2024-08-21. Review status: criteria provided, single submitter. Criteria: Quest Diagnostics criteria. Collection method: clinical testing. Allele origin: unknown.
Comment: The MSH6 c.34C>T (p.Pro12Ser) variant has not been reported in individuals with MSH6-related conditions in the published literature. The frequency of this variant in the general population, 0.0000041 (1/245160 chromosomes (Genome Aggregation Database)), is uninformative in the assessment of its pathogenicity. Analysis of this variant using bioinformatics tools for the prediction of the effect of amino acid changes on protein structure and function yielded predictions that this variant is benign. Based on the available information, we are unable to determine the clinical significance of this variant.

Ambry Genetics
Classification: Uncertain significance for Hereditary cancer-predisposing syndrome. Last evaluated: 2024-07-02. Review status: criteria provided, single submitter. Criteria: Ambry Variant Classification Scheme 2023. Collection method: clinical testing. Allele origin: germline.
Comment: The p.P12S variant (also known as c.34C>T), located in coding exon 1 of the MSH6 gene, results from a C to T substitution at nucleotide position 34. The proline at codon 12 is replaced by serine, an amino acid with similar properties. This amino acid position is well conserved in available vertebrate species. In addition, the in silico prediction for this alteration is inconclusive. Based on the available evidence, the clinical significance of this variant remains unclear.

Baylor Genetics
Classification: Uncertain significance for Endometrial carcinoma. Last evaluated: 2023-08-22. Review status: criteria provided, single submitter. Criteria: ACMG Guidelines, 2015. Collection method: clinical testing. Allele origin: unknown.

Department of Pathology and Laboratory Medicine, Sinai Health System
Classification: Uncertain significance for Endometrial carcinoma; Lynch syndrome 5; Mismatch repair cancer syndrome 3. Last evaluated: 2023-02-06. Review status: criteria provided, single submitter. Criteria: ACMG Guidelines, 2015. Collection method: clinical testing. Allele origin: germline. Affected: yes.

Literature cited by the submitters: PubMed 29245953 (cited by Color Diagnostics, LLC DBA Color Health).